The following is an entry in ClinVar:

NM_014339.7(IL17RA):c.599-3C>T

Gene: IL17RA (interleukin 17 receptor A; plus strand). Cytogenetic location: 22q11.1.
Variant type: single nucleotide variant.
Coding change: c.599-3C>T on transcript NM_014339.7 (MANE Select); 3 bases into the intron before coding-DNA position 599, C replaced by T.
Molecular consequence: intron variant.
Genome position (GRCh38, 1-based): chr22:17,102,136, C>T. VCF-style: chr22-17102136-C-T. GRCh37 (hg19) VCF-style: chr22-17583026-C-T.
Other names: c.599-3C>T (NM_001289905.2).
Identifiers: ClinVar variation 1394966 (VCV001394966.3), dbSNP rs1289429964, ClinGen allele CA751263712.
Genomic context (GRCh38, chr22:17,102,136, plus strand): 5'-TGCATACACATGCACATGTGCGTGCCCCTCCTCACTCCCAGCCTGCGTGTGTGACCTTGG[C>T]AGGCAGCCTGTGGGACCCCAACATCACCGTGGAGACCCTGGAGGCCCACCAGCTGCGTGT-3'

ClinVar aggregate classification (germline): Uncertain significance (1 of 4 stars; one submission).

Conditions:
Immunodeficiency 51 (IMD51). Also called: CANDIDIASIS, FAMILIAL, 5. Identifiers: Orphanet 1334, MedGen C4310803, MONDO:0013500, OMIM 613953.

Allele frequency attached by ClinVar (database versions not stated): gnomAD exomes 0.00001; TOPMed 0.00002.

Submission:

Labcorp Genetics (formerly Invitae), Labcorp
Classification: Uncertain significance for Immunodeficiency 51. Last evaluated: 2022-09-24. Review status: criteria provided, single submitter. Criteria: Invitae Variant Classification Sherloc (09022015). Collection method: clinical testing. Allele origin: germline.
Comment: This sequence change falls in intron 6 of the IL17RA gene. It does not directly change the encoded amino acid sequence of the IL17RA protein. It affects a nucleotide within the consensus splice site. This variant is not present in population databases (gnomAD no frequency). This variant has not been reported in the literature in individuals affected with IL17RA-related conditions. ClinVar contains an entry for this variant (Variation ID: 1394966). Variants that disrupt the consensus splice site are a relatively common cause of aberrant splicing (PMID: 17576681, 9536098). Algorithms developed to predict the effect of sequence changes on RNA splicing suggest that this variant is not likely to affect RNA splicing. In summary, the available evidence is currently insufficient to determine the role of this variant in disease. Therefore, it has been classified as a Variant of Uncertain Significance.

Literature cited by the submitters: PubMed 17576681; PubMed 9536098.